The following is an entry in ClinVar:

ClinVar aggregate classification (germline): Likely benign. Review status: criteria provided, multiple submitters, no conflicts (2 of 4 stars). 2 submissions from 2 submitters: Likely benign (2). Last evaluated 2026-01-19.

Conditions:
Dermatofibrosis lenticularis disseminata (BOS). Also called: OSTEOPATHIA CONDENSANS DISSEMINATA; DERMATOFIBROSIS LENTICULARIS DISSEMINATA WITH OSTEOPOIKILOSIS; DERMATOOSTEOPOIKILOSIS. Identifiers: Orphanet 1306, MedGen C0265514, MONDO:0008157, OMIM 166700.

Allele frequency attached by ClinVar (database versions not stated): ESP Exome Variant Server 0.00008; gnomAD exomes 0.00011 and 0.00015; gnomAD 0.00016 and 0.00021; TOPMed 0.00020; ExAC 0.00037.
gnomAD v4.1: 191 of 1,589,548 alleles (0.012%); highest among the groups gnomAD compares: Non-Finnish European, 0.015%; no homozygotes.

Submissions (2):

Labcorp Genetics (formerly Invitae), Labcorp
Classification: Likely benign. Last evaluated: 2026-01-19. Review status: criteria provided, single submitter. Criteria: Invitae Variant Classification Sherloc (09022015). Collection method: clinical testing. Allele origin: germline.

Illumina Laboratory Services, Illumina
Classification: Likely benign for Dermatofibrosis lenticularis disseminata. Last evaluated: 2018-01-12. Review status: criteria provided, single submitter. Criteria: ICSL Variant Classification Criteria 13 December 2019. Collection method: clinical testing. Allele origin: germline.
Comment: This variant was observed in the ICSL laboratory as part of a predisposition screen in an ostensibly healthy population. It had not been previously curated by ICSL or reported in the Human Gene Mutation Database (HGMD: prior to June 1st, 2018), and was therefore a candidate for classification through an automated scoring system. Utilizing variant allele frequency, disease prevalence and penetrance estimates, and inheritance mode, an automated score was calculated to assess if this variant is too frequent to cause the disease. Based on the score and internal cut-off values, a variant classified as likely benign is not then subjected to further curation. The score for this variant resulted in a classification of likely benign for this disease.

NM_014319.5(LEMD3):c.39G>A (p.Ser13=)

Gene: LEMD3 (LEM domain containing 3; plus strand). Cytogenetic location: 12q14.3.
Variant type: single nucleotide variant.
Coding change: c.39G>A on transcript NM_014319.5 (MANE Select); coding-DNA position 39, G replaced by A.
Protein change: p.Ser13=; no amino-acid change (serine 13 retained).
Molecular consequence: synonymous variant.
Genome position (GRCh38, 1-based): chr12:65,169,635, G>A. VCF-style: chr12-65169635-G-A. GRCh37 (hg19) VCF-style: chr12-65563415-G-A.
Other names: c.39G>A, p.Ser13= (NM_001167614.2).
Identifiers: ClinVar variation 733124 (VCV000733124.12), dbSNP rs373288363, ClinGen allele CA6670657.
Genomic context (GRCh38, chr12:65,169,635, plus strand): 5'-TGTAAAACACCCTGGAGAGAAAATGGCGGCGGCAGCAGCTTCGGCGCCTCAGCAGCTCTC[G>A]GATGAGGAGCTTTTCTCTCAGCTCCGCCGTTACGGCCTGTCTCCCGGACCAGTGACGGAG-3'
Protein context (NP_055134.2, residues 3-23): AAAASAPQQL[Ser13=]DEELFSQLRR